The following is an entry in ClinVar:

NM_000218.3(KCNQ1):c.1431C>T (p.Pro477=)

Genes: KCNQ1 (potassium voltage-gated channel subfamily Q member 1; plus strand), KCNQ1OT1 (KCNQ1 opposite strand/antisense transcript 1; minus strand). Cytogenetic location: 11p15.5.
Variant type: single nucleotide variant.
Coding change: c.1431C>T on transcript NM_000218.3 (MANE Select); coding-DNA position 1431, C replaced by T.
Protein change: p.Pro477=; no amino-acid change (proline 477 retained).
Molecular consequence: synonymous variant.
Genome position (GRCh38, 1-based): chr11:2,661,998, C>T. VCF-style: chr11-2661998-C-T. GRCh37 (hg19) VCF-style: chr11-2683228-C-T.
Other names: c.1335C>T, p.Pro445= (NM_001406836.1); c.1161C>T, p.Pro387= (NM_001406837.1); c.891C>T, p.Pro297= (NM_001406838.1); c.1050C>T, p.Pro350= (NM_181798.2).
Identifiers: ClinVar variation 413280 (VCV000413280.25), dbSNP rs137887424, ClinGen allele CA029920.

ClinVar aggregate classification (germline): Benign/Likely benign. Review status: criteria provided, multiple submitters, no conflicts (2 of 4 stars). 8 submissions from 8 submitters: Benign (2); Likely benign (6). Last evaluated 2026-03-27.

Conditions:
Cardiovascular phenotype. Identifiers: MedGen CN230736.
Cardiac arrhythmia. Also called: Cardiac rhythm disease; Arrhythmia. Identifiers: MedGen C0003811, MONDO:0007263, HP:0011675.
Long QT syndrome 1 (LQT1). Identifiers: Orphanet 101016, Orphanet 768, MedGen C4551647, MONDO:0100316, OMIM 192500, MONDO:0008646.
Jervell and Lange-Nielsen syndrome 1 (JLNS1). Also called: CARDIOAUDITORY SYNDROME OF JERVELL AND LANGE-NIELSEN; DEAFNESS, CONGENITAL, AND FUNCTIONAL HEART DISEASE; PROLONGED QT INTERVAL IN EKG AND SUDDEN DEATH; SURDO-CARDIAC SYNDROME. Identifiers: Orphanet 768, Orphanet 90647, MedGen C4551509, MONDO:0024540, OMIM 220400.
Short QT syndrome type 2. Identifiers: Orphanet 51083, MedGen C1865019, MONDO:0012313, OMIM 609621.
Atrial fibrillation, familial, 3 (ATFB3). Identifiers: MedGen C1837014, MONDO:0011857, OMIM 607554.
Beckwith-Wiedemann syndrome (BWS). Also called: EMG SYNDROME; Exomphalos macroglossia gigantism syndrome. Identifiers: Orphanet 116, MedGen C0004903, MONDO:0007534, OMIM 130650.
Long QT syndrome (LQTS). Identifiers: MedGen C0023976, MeSH D008133, MONDO:0002442. Disease mechanism: loss of function. Inheritance: Various modes of inheritance.

Allele frequency attached by ClinVar (database versions not stated): 1000 Genomes Project 30x 0.00031; 1000 Genomes Project 0.00040; gnomAD 0.00045 and 0.00050; gnomAD exomes 0.00011 and 0.00005; ExAC 0.00012; TOPMed 0.00039; ESP Exome Variant Server 0.00062.
gnomAD v4.1: 136 of 1,614,212 alleles (0.0084%); highest among the groups gnomAD compares: African/African-American, 0.17%; 2 homozygotes.

Submissions (8):

Molecular Diagnostic Laboratory for Inherited Cardiovascular Disease, Montreal Heart Institute
Classification: Benign. Last evaluated: 2026-03-27. Review status: criteria provided, single submitter. Criteria: ACMG Guidelines, 2015. Collection method: clinical testing. Allele origin: germline. Affected: no.
Comment: BS1;BP7

Labcorp Genetics (formerly Invitae), Labcorp
Classification: Benign for Long QT syndrome. Last evaluated: 2025-12-08. Review status: criteria provided, single submitter. Criteria: Invitae Variant Classification Sherloc (09022015). Collection method: clinical testing. Allele origin: germline.

Ambry Genetics
Classification: Likely benign for Cardiovascular phenotype. Last evaluated: 2024-07-10. Review status: criteria provided, single submitter. Criteria: Ambry Variant Classification Scheme 2023. Collection method: clinical testing. Allele origin: germline.

All of Us Research Program, National Institutes of Health
Classification: Likely benign for Long QT syndrome. Last evaluated: 2024-01-08. Review status: criteria provided, single submitter. Criteria: ACMG Guidelines, 2015. Collection method: clinical testing. Allele origin: germline. Inheritance: Autosomal dominant inheritance. Observed: 23 variant alleles, 23 heterozygotes.
Comment: This study involves interpretation of variants in research participants for the purpose of population health screening. Participant phenotype was not available at the time of variant classification. Additional details can be found in publication PMID: 35346344, PMCID: PMC8962531

ARUP Laboratories, Molecular Genetics and Genomics, ARUP Laboratories
Classification: Likely benign. Last evaluated: 2023-12-14. Review status: criteria provided, single submitter. Criteria: ARUP Molecular Germline Variant Investigation Process 2024. Collection method: clinical testing. Allele origin: germline.

Fulgent Genetics
Classification: Likely benign for Beckwith-Wiedemann syndrome; Long QT syndrome 1; Jervell and Lange-Nielsen syndrome 1; Atrial fibrillation, familial, 3; Short QT syndrome type 2. Last evaluated: 2021-08-30. Review status: criteria provided, single submitter. Criteria: ACMG Guidelines, 2015. Collection method: clinical testing. Allele origin: unknown.

GeneDx
Classification: Likely benign. Last evaluated: 2020-09-11. Review status: criteria provided, single submitter. Criteria: GeneDx Variant Classification Process June 2021. Collection method: clinical testing. Allele origin: germline. Affected: yes.

Color Diagnostics, LLC DBA Color Health
Classification: Likely benign for Arrhythmia. Last evaluated: 2019-02-21. Review status: criteria provided, single submitter. Criteria: ACMG Guidelines, 2015. Collection method: clinical testing. Allele origin: germline.